The following is an entry in ClinVar:

NM_001365536.1(SCN9A):c.1361G>T (p.Arg454Ile)

Genes: SCN9A (sodium voltage-gated channel alpha subunit 9; minus strand), SCN1A-AS1 (SCN1A and SCN9A antisense RNA 1; plus strand). Cytogenetic location: 2q24.3.
Variant type: single nucleotide variant.
Coding change: c.1361G>T on transcript NM_001365536.1 (MANE Select); coding-DNA position 1361, G replaced by T.
Protein change: p.Arg454Ile; replaces arginine 454 with isoleucine.
Molecular consequence: missense variant.
Genome position (GRCh38, 1-based): chr2:166,286,577, C>A on the plus strand (G>T on the coding strand, the complement: SCN9A is on the minus strand). VCF-style: chr2-166286577-C-A. GRCh37 (hg19) VCF-style: chr2-167143087-C-A.
Other names: c.1361G>T, p.Arg454Ile (NM_002977.4); short protein forms R454I.
Identifiers: ClinVar variation 939573 (VCV000939573.10), dbSNP rs199825426, ClinGen allele CA349084914.

ClinVar aggregate classification (germline): Uncertain significance (1 of 4 stars; one submission).

Conditions:
Generalized epilepsy with febrile seizures plus, type 7 (GEFSP7). Also called: GEFS+, TYPE 7. Identifiers: Orphanet 36387, MedGen C2751778, MONDO:0013470, OMIM 613863.
Neuropathy, hereditary sensory and autonomic, type 2A (HSAN2A). Also called: HSAN IIA; MORVAN DISEASE; NEUROPATHY, CONGENITAL SENSORY; NEUROPATHY, HEREDITARY SENSORY RADICULAR, AUTOSOMAL RECESSIVE; NEUROPATHY, HEREDITARY SENSORY, TYPE IIA; NEUROPATHY, PROGRESSIVE SENSORY, OF CHILDREN. Identifiers: Orphanet 970, MedGen C2752089, MONDO:0024309, OMIM 201300.

gnomAD v4.1: 1 of 1,597,816 alleles (0.000063%); highest among the groups gnomAD compares: Non-Finnish European, 0.000085%; no homozygotes.

Submission:

Labcorp Genetics (formerly Invitae), Labcorp
Classification: Uncertain significance for Neuropathy, hereditary sensory and autonomic, type 2A; Generalized epilepsy with febrile seizures plus, type 7. Last evaluated: 2019-08-25. Review status: criteria provided, single submitter. Criteria: Invitae Variant Classification Sherloc (09022015). Collection method: clinical testing. Allele origin: germline.
Comment: In summary, the available evidence is currently insufficient to determine the role of this variant in disease. Therefore, it has been classified as a Variant of Uncertain Significance. Algorithms developed to predict the effect of missense changes on protein structure and function are either unavailable or do not agree on the potential impact of this missense change (SIFT: "Deleterious"; PolyPhen-2: "Benign"; Align-GVGD: "Class C0"). This variant has not been reported in the literature in individuals with SCN9A-related conditions. This variant is not present in population databases (ExAC no frequency). This sequence change replaces arginine with isoleucine at codon 454 of the SCN9A protein (p.Arg454Ile). The arginine residue is moderately conserved and there is a moderate physicochemical difference between arginine and isoleucine.